The following is an entry in ClinVar:

NM_177438.3(DICER1):c.4075C>T (p.Leu1359Phe)

Gene: DICER1 (dicer 1, ribonuclease III; minus strand). Cytogenetic location: 14q32.13.
Variant type: single nucleotide variant.
Coding change: c.4075C>T on transcript NM_177438.3 (MANE Select); coding-DNA position 4075, C replaced by T.
Protein change: p.Leu1359Phe; replaces leucine 1359 with phenylalanine.
Molecular consequence: missense variant.
Genome position (GRCh38, 1-based): chr14:95,099,911, G>A on the plus strand (C>T on the coding strand, the complement: DICER1 is on the minus strand). VCF-style: chr14-95099911-G-A. GRCh37 (hg19) VCF-style: chr14-95566248-G-A.
Other names: c.4075C>T, p.Leu1359Phe (NM_001195573.1, NM_001271282.3, NM_001291628.2 and 1 more transcripts); c.4075C>T (NM_177438.2); short protein forms L1359F.
Identifiers: ClinVar variation 1051321 (VCV001051321.11), dbSNP rs2139903247, ClinGen allele CA390872245.

ClinVar aggregate classification (germline): Uncertain significance. Review status: criteria provided, multiple submitters, no conflicts (2 of 4 stars). 2 submissions from 2 submitters: Uncertain significance (2). Last evaluated 2025-08-22.

Conditions:
DICER1-related tumor predisposition. Also called: DICER1-related pleuropulmonary blastoma cancer predisposition syndrome; DICER1 syndrome. Identifiers: Orphanet 284343, MedGen C3839822, MONDO:0100216.
Hereditary cancer-predisposing syndrome. Also called: Hereditary Cancer Syndrome; Tumor predisposition; Hereditary neoplastic syndrome; Neoplastic Syndromes, Hereditary. Identifiers: Orphanet 140162, MedGen C0027672, MeSH D009386, MONDO:0015356.

Submissions (2):

Ambry Genetics
Classification: Uncertain significance for Hereditary cancer-predisposing syndrome. Last evaluated: 2025-08-22. Review status: criteria provided, single submitter. Criteria: Ambry Variant Classification Scheme 2023. Collection method: clinical testing. Allele origin: germline.
Comment: The p.L1359F variant (also known as c.4075C>T), located in coding exon 21 of the DICER1 gene, results from a C to T substitution at nucleotide position 4075. The leucine at codon 1359 is replaced by phenylalanine, an amino acid with highly similar properties. This amino acid position is conserved. In addition, this alteration is predicted to be deleterious by in silico analysis. Based on the available evidence, the clinical significance of this variant remains unclear.

Labcorp Genetics (formerly Invitae), Labcorp
Classification: Uncertain significance for DICER1-related tumor predisposition. Last evaluated: 2021-02-25. Review status: criteria provided, single submitter. Criteria: Invitae Variant Classification Sherloc (09022015). Collection method: clinical testing. Allele origin: germline.
Comment: This sequence change replaces leucine with phenylalanine at codon 1359 of the DICER1 protein (p.Leu1359Phe). The leucine residue is highly conserved and there is a small physicochemical difference between leucine and phenylalanine. This variant is not present in population databases (ExAC no frequency). This variant has not been reported in the literature in individuals with DICER1-related conditions. Algorithms developed to predict the effect of missense changes on protein structure and function are either unavailable or do not agree on the potential impact of this missense change (SIFT: "Deleterious"; PolyPhen-2: "Probably Damaging"; Align-GVGD: "Class C15"). In summary, the available evidence is currently insufficient to determine the role of this variant in disease. Therefore, it has been classified as a Variant of Uncertain Significance.